The following is an entry in ClinVar:

ClinVar aggregate classification (germline): Uncertain significance. Review status: criteria provided, multiple submitters, no conflicts (2 of 4 stars). 2 submissions from 2 submitters: Uncertain significance (2). Last evaluated 2025-12-08.

Conditions:
DICER1-related tumor predisposition. Also called: DICER1-related pleuropulmonary blastoma cancer predisposition syndrome; DICER1 syndrome. Identifiers: Orphanet 284343, MedGen C3839822, MONDO:0100216.
Hereditary cancer-predisposing syndrome. Also called: Hereditary neoplastic syndrome; Neoplastic Syndromes, Hereditary; Tumor predisposition; Hereditary Cancer Syndrome. Identifiers: Orphanet 140162, MedGen C0027672, MeSH D009386, MONDO:0015356.

Allele frequency attached by ClinVar (database versions not stated): gnomAD exomes below 0.00001; ExAC 0.00001; gnomAD 0.00001; TOPMed 0.00001.
gnomAD v4.1: 3 of 1,613,862 alleles (0.00019%); highest among the groups gnomAD compares: East Asian, 0.0067%; no homozygotes.

Submissions (2):

Labcorp Genetics (formerly Invitae), Labcorp
Classification: Uncertain significance for DICER1-related tumor predisposition. Last evaluated: 2025-12-08. Review status: criteria provided, single submitter. Criteria: Invitae Variant Classification Sherloc (09022015). Collection method: clinical testing. Allele origin: germline.
Comment: This sequence change replaces glutamic acid, which is acidic and polar, with valine, which is neutral and non-polar, at codon 221 of the DICER1 protein (p.Glu221Val). This variant is present in population databases (rs757925350, gnomAD 0.01%). This variant has not been reported in the literature in individuals affected with DICER1-related conditions. ClinVar contains an entry for this variant (Variation ID: 483472). Invitae Evidence Modeling of protein sequence and biophysical properties (such as structural, functional, and spatial information, amino acid conservation, physicochemical variation, residue mobility, and thermodynamic stability) indicates that this missense variant is not expected to disrupt DICER1 protein function with a negative predictive value of 95%. In summary, the available evidence is currently insufficient to determine the role of this variant in disease. Therefore, it has been classified as a Variant of Uncertain Significance.

Ambry Genetics
Classification: Uncertain significance for Hereditary cancer-predisposing syndrome. Last evaluated: 2025-05-30. Review status: criteria provided, single submitter. Criteria: Ambry Variant Classification Scheme 2023. Collection method: clinical testing. Allele origin: germline.
Comment: The p.E221V variant (also known as c.662A>T), located in coding exon 5 of the DICER1 gene, results from an A to T substitution at nucleotide position 662. The glutamic acid at codon 221 is replaced by valine, an amino acid with dissimilar properties. This amino acid position is well conserved in available vertebrate species. In addition, the in silico prediction for this alteration is inconclusive. Since supporting evidence is limited at this time, the clinical significance of this alteration remains unclear.

NM_177438.3(DICER1):c.662A>T (p.Glu221Val)

Gene: DICER1 (dicer 1, ribonuclease III; minus strand). Cytogenetic location: 14q32.13.
Variant type: single nucleotide variant.
Coding change: c.662A>T on transcript NM_177438.3 (MANE Select); coding-DNA position 662, A replaced by T.
Protein change: p.Glu221Val; replaces glutamic acid 221 with valine.
Molecular consequence: missense variant.
Genome position (GRCh38, 1-based): chr14:95,129,544, T>A on the plus strand (A>T on the coding strand, the complement: DICER1 is on the minus strand). VCF-style: chr14-95129544-T-A. GRCh37 (hg19) VCF-style: chr14-95595881-T-A.
Other names: c.662A>T, p.Glu221Val (NM_001195573.1, NM_001271282.3, NM_001291628.2 and 1 more transcripts); short protein forms E221V.
Identifiers: ClinVar variation 483472 (VCV000483472.16), dbSNP rs757925350, ClinGen allele CA7331603.
Genomic context (GRCh38, chr14:95,129,544, plus strand): 5'-ACCAGGTCAGTTGCAGTTTCAGCATTACTCTTAAGAATTTTCTCTAGTTTCTGAATCTTT[T>A]CTTCCAATTCCTCTGGATCACATTTCCCATTTAAAATGGAAGCAGTTAGTCCCAAAATGC-3'
Protein context (NP_803187.1, residues 211-231): NGKCDPEELE[Glu221Val]KIQKLEKILK